The following is an entry in ClinVar:

NM_001399.5(EDA):c.797T>C (p.Leu266Pro)

Gene: EDA (ectodysplasin A; plus strand). Cytogenetic location: Xq13.1.
Variant type: single nucleotide variant.
Coding change: c.797T>C on transcript NM_001399.5 (MANE Select); coding-DNA position 797, T replaced by C.
Protein change: p.Leu266Pro; replaces leucine 266 with proline.
Molecular consequence: missense variant. On other transcripts: intron variant (1).
Genome position (GRCh38, 1-based): chrX:70,033,401, T>C. VCF-style: chrX-70033401-T-C. GRCh37 (hg19) VCF-style: chrX-69253251-T-C.
Other names: c.797T>C, p.Leu266Pro (NM_001005609.2); c.794-6T>C (NM_001005612.3); short protein forms L266P.
Identifiers: ClinVar variation 3372532 (VCV003372532.1).

ClinVar aggregate classification (germline): Uncertain significance (1 of 4 stars; one submission).

Submission:

GeneDx
Classification: Uncertain significance. Last evaluated: 2024-04-15. Review status: criteria provided, single submitter. Criteria: GeneDx Variant Classification Process June 2021. Collection method: clinical testing. Allele origin: germline. Affected: yes.
Comment: Not observed at significant frequency in large population cohorts (gnomAD); Missense variants in this gene are a common cause of disease and they are underrepresented in the general population; In silico analysis indicates that this missense variant does not alter protein structure/function; Has not been previously published as pathogenic or benign to our knowledge